The following is an entry in ClinVar:

ClinVar aggregate classification (germline): Likely benign. Review status: criteria provided, multiple submitters, no conflicts (2 of 4 stars). 3 submissions from 3 submitters: Likely benign (3). Last evaluated 2025-06-15.

Conditions:
Hereditary cancer-predisposing syndrome. Also called: Hereditary Cancer Syndrome; Hereditary neoplastic syndrome; Neoplastic Syndromes, Hereditary; Tumor predisposition. Identifiers: Orphanet 140162, MedGen C0027672, MeSH D009386, MONDO:0015356.
Breast-ovarian cancer, familial, susceptibility to, 3. Also called: RAD51C-Related Breast/Ovarian Cancer. Identifiers: Orphanet 145, MedGen C3150659, MONDO:0013253, OMIM 613399.
Fanconi anemia complementation group O. Also called: RAD51C-Related Fanconi Anemia. Identifiers: Orphanet 84, MedGen C3150653, MONDO:0013248, OMIM 613390.

Allele frequency attached by ClinVar (database versions not stated): TOPMed 0.00002.
gnomAD v4.1: 8 of 1,608,592 alleles (0.0005%); highest among the groups gnomAD compares: Non-Finnish European, 0.0006%; no homozygotes.

Submissions (3):

Labcorp Genetics (formerly Invitae), Labcorp
Classification: Likely benign for Fanconi anemia complementation group O. Last evaluated: 2025-06-15. Review status: criteria provided, single submitter. Criteria: Invitae Variant Classification Sherloc (09022015). Collection method: clinical testing. Allele origin: germline.

Myriad Genetics, Inc.
Classification: Likely benign for Breast-ovarian cancer, familial, susceptibility to, 3. Last evaluated: 2025-02-18. Review status: criteria provided, single submitter. Criteria: Myriad Autosomal Dominant, Autosomal Recessive and X-Linked Classification Criteria (2023). Collection method: clinical testing. Allele origin: unknown.
Comment: This variant is considered likely benign. This variant is intronic and is not expected to impact mRNA splicing.

Color Diagnostics, LLC DBA Color Health
Classification: Likely benign for Hereditary cancer-predisposing syndrome. Last evaluated: 2018-11-02. Review status: criteria provided, single submitter. Criteria: ACMG Guidelines, 2015. Collection method: clinical testing. Allele origin: germline.

NM_058216.3(RAD51C):c.572-17G>A

Gene: RAD51C (RAD51 paralog C; plus strand). Cytogenetic location: 17q22.
Variant type: single nucleotide variant.
Coding change: c.572-17G>A on transcript NM_058216.3 (MANE Select); 17 bases into the intron before coding-DNA position 572, G replaced by A.
Molecular consequence: intron variant.
Genome position (GRCh38, 1-based): chr17:58,703,179, G>A. VCF-style: chr17-58703179-G-A. GRCh37 (hg19) VCF-style: chr17-56780540-G-A.
Identifiers: ClinVar variation 925274 (VCV000925274.11), dbSNP rs193023469, ClinGen allele CA292054642.